The following is an entry in ClinVar:

NM_003331.5(TYK2):c.2664C>A (p.Asp888Glu)

Gene: TYK2 (tyrosine kinase 2; minus strand). Cytogenetic location: 19p13.2.
Variant type: single nucleotide variant.
Coding change: c.2664C>A on transcript NM_003331.5 (MANE Select); coding-DNA position 2664, C replaced by A.
Protein change: p.Asp888Glu; replaces aspartic acid 888 with glutamic acid.
Molecular consequence: missense variant.
Genome position (GRCh38, 1-based): chr19:10,354,563, G>T on the plus strand (C>A on the coding strand, the complement: TYK2 is on the minus strand). VCF-style: chr19-10354563-G-T. GRCh37 (hg19) VCF-style: chr19-10465239-G-T.
Other names: c.2664C>A (LRG_121t1); short protein forms D888E.
Identifiers: ClinVar variation 663753 (VCV000663753.8), dbSNP rs201456217, ClinGen allele CA9192965.
Genomic context (GRCh38, chr19:10,354,563, plus strand): 5'-GTCCCTCACCTCGCCCAGATCTCGGATCTTTTTCAAATAGCGCTTGTGGAAAACCGTAGG[G>T]TCCGACGCCGGTGAGTCCGGGTTCACAGTCAAGACGTCAGCAAGATCTGGAAGAGTTGCG-3'
Protein context (NP_003322.3, residues 878-898): LTVNPDSPAS[Asp888Glu]PTVFHKRYLK

ClinVar aggregate classification (germline): Uncertain significance. Review status: criteria provided, multiple submitters, no conflicts (2 of 4 stars). 3 submissions from 3 submitters: Uncertain significance (3). Last evaluated 2025-07-15.

Conditions:
TYK2-related disorder. Also called: TYK2-related condition.
Immunodeficiency 35 (IMD35). Also called: HIES WITH ATYPICAL MYCOBACTERIOSIS, AUTOSOMAL RECESSIVE; HYPER-IgE SYNDROME WITH ATYPICAL MYCOBACTERIOSIS, AUTOSOMAL RECESSIVE; TYK2 DEFICIENCY; Susceptibility to infection due to TYK2 deficiency. Identifiers: Orphanet 331226, MedGen C1969086, MONDO:0012682, OMIM 611521.

Allele frequency attached by ClinVar (database versions not stated): TOPMed 0.00006; ESP Exome Variant Server 0.00008.
gnomAD v4.1: 86 of 1,613,926 alleles (0.0053%); highest among the groups gnomAD compares: South Asian, 0.032%; no homozygotes.

Submissions (3):

PreventionGenetics, part of Exact Sciences
Classification: Uncertain significance for TYK2-related condition. Last evaluated: 2025-07-15. Review status: criteria provided, single submitter. Criteria: ACMG Guidelines, 2015. Collection method: clinical testing. Allele origin: germline.
Comment: The TYK2 c.2664C>A variant is predicted to result in the amino acid substitution p.Asp888Glu. To our knowledge, this variant has not been reported in the literature. This variant is reported in 0.013% of alleles in individuals of South Asian descent in gnomAD. At this time, the clinical significance of this variant is uncertain due to the absence of conclusive functional and genetic evidence.

Labcorp Genetics (formerly Invitae), Labcorp
Classification: Uncertain significance for Immunodeficiency 35. Last evaluated: 2022-06-07. Review status: criteria provided, single submitter. Criteria: Invitae Variant Classification Sherloc (09022015). Collection method: clinical testing. Allele origin: germline.
Comment: This sequence change replaces aspartic acid, which is acidic and polar, with glutamic acid, which is acidic and polar, at codon 888 of the TYK2 protein (p.Asp888Glu). This variant is present in population databases (rs201456217, gnomAD 0.01%). This variant has not been reported in the literature in individuals affected with TYK2-related conditions. ClinVar contains an entry for this variant (Variation ID: 663753). Algorithms developed to predict the effect of missense changes on protein structure and function are either unavailable or do not agree on the potential impact of this missense change (SIFT: "Not Available"; PolyPhen-2: "Possibly Damaging"; Align-GVGD: "Not Available"). In summary, the available evidence is currently insufficient to determine the role of this variant in disease. Therefore, it has been classified as a Variant of Uncertain Significance.

Baylor Genetics
Classification: Uncertain significance for Immunodeficiency 35. Last evaluated: 2021-01-06. Review status: criteria provided, single submitter. Criteria: ACMG Guidelines, 2015. Collection method: clinical testing. Allele origin: unknown.